The following is an entry in ClinVar:

NM_152296.5(ATP1A3):c.2829C>G (p.Ile943Met)

Gene: ATP1A3 (ATPase Na+/K+ transporting subunit alpha 3; minus strand). Cytogenetic location: 19q13.2.
Variant type: single nucleotide variant.
Coding change: c.2829C>G on transcript NM_152296.5 (MANE Select); coding-DNA position 2829, C replaced by G.
Protein change: p.Ile943Met; replaces isoleucine 943 with methionine.
Molecular consequence: missense variant.
Genome position (GRCh38, 1-based): chr19:41,967,754, G>C on the plus strand (C>G on the coding strand, the complement: ATP1A3 is on the minus strand). VCF-style: chr19-41967754-G-C. GRCh37 (hg19) VCF-style: chr19-42471906-G-C.
Other names: c.2862C>G, p.Ile954Met (NM_001256213.2); c.2868C>G, p.Ile956Met (NM_001256214.2); short protein forms I954M, I956M, I943M.
Identifiers: ClinVar variation 1360215 (VCV001360215.8), dbSNP rs1330371427, ClinGen allele CA406035656.

ClinVar aggregate classification (germline): Uncertain significance (1 of 4 stars; one submission).

Conditions:
Dystonia 12 (DYT12). Also called: DYT-ATP1A3; Rapid-Onset Dystonia-Parkinsonism (RDP). Identifiers: Orphanet 71517, MedGen C1868681, MONDO:0007496, OMIM 128235.

Submission:

Labcorp Genetics (formerly Invitae), Labcorp
Classification: Uncertain significance for Dystonia 12. Last evaluated: 2022-07-05. Review status: criteria provided, single submitter. Criteria: Invitae Variant Classification Sherloc (09022015). Collection method: clinical testing. Allele origin: germline.
Comment: In summary, the available evidence is currently insufficient to determine the role of this variant in disease. Therefore, it has been classified as a Variant of Uncertain Significance. Advanced modeling of protein sequence and biophysical properties (such as structural, functional, and spatial information, amino acid conservation, physicochemical variation, residue mobility, and thermodynamic stability) performed at Invitae indicates that this missense variant is expected to disrupt ATP1A3 protein function. ClinVar contains an entry for this variant (Variation ID: 1360215). This variant has not been reported in the literature in individuals affected with ATP1A3-related conditions. This variant is not present in population databases (gnomAD no frequency). This sequence change replaces isoleucine, which is neutral and non-polar, with methionine, which is neutral and non-polar, at codon 943 of the ATP1A3 protein (p.Ile943Met).